The following is an entry in ClinVar:

ClinVar aggregate classification (germline): Uncertain significance. Review status: criteria provided, multiple submitters, no conflicts (2 of 4 stars). 2 submissions from 2 submitters: Uncertain significance (2). Last evaluated 2024-07-09.

Allele frequency attached by ClinVar (database versions not stated): TOPMed 0.00001; gnomAD exomes 0.00002; ExAC 0.00003; ESP Exome Variant Server 0.00008.
gnomAD v4.1: 24 of 1,613,048 alleles (0.0015%); highest among the groups gnomAD compares: Non-Finnish European, 0.0019%; no homozygotes.

Submissions (2):

Blueprint Genetics
Classification: Uncertain significance. Last evaluated: 2024-07-09. Review status: criteria provided, single submitter. Criteria: ACMG Guidelines, 2015. Collection method: clinical testing. Allele origin: germline.

Labcorp Genetics (formerly Invitae), Labcorp
Classification: Uncertain significance. Last evaluated: 2022-11-23. Review status: criteria provided, single submitter. Criteria: Invitae Variant Classification Sherloc (09022015). Collection method: clinical testing. Allele origin: germline.
Comment: In summary, the available evidence is currently insufficient to determine the role of this variant in disease. Therefore, it has been classified as a Variant of Uncertain Significance. Advanced modeling of protein sequence and biophysical properties (such as structural, functional, and spatial information, amino acid conservation, physicochemical variation, residue mobility, and thermodynamic stability) has been performed at Invitae for this missense variant, however the output from this modeling did not meet the statistical confidence thresholds required to predict the impact of this variant on PDE6B protein function. ClinVar contains an entry for this variant (Variation ID: 1449372). This variant has not been reported in the literature in individuals affected with PDE6B-related conditions. This variant is present in population databases (rs202194404, gnomAD 0.005%). This sequence change replaces phenylalanine, which is neutral and non-polar, with leucine, which is neutral and non-polar, at codon 424 of the PDE6B protein (p.Phe424Leu).

NM_000283.4(PDE6B):c.1272C>G (p.Phe424Leu)

Gene: PDE6B (phosphodiesterase 6B; plus strand). Cytogenetic location: 4p16.3.
Variant type: single nucleotide variant.
Coding change: c.1272C>G on transcript NM_000283.4 (MANE Select); coding-DNA position 1272, C replaced by G.
Protein change: p.Phe424Leu; replaces phenylalanine 424 with leucine.
Molecular consequence: missense variant.
Genome position (GRCh38, 1-based): chr4:657,365, C>G. VCF-style: chr4-657365-C-G. GRCh37 (hg19) VCF-style: chr4-651154-C-G.
Other names: c.1272C>G, p.Phe424Leu (NM_001145291.2); c.435C>G, p.Phe145Leu (NM_001145292.2, NM_001350154.3, NM_001379246.1 and 1 more transcripts); c.117C>G, p.Phe39Leu (NM_001350155.3); short protein forms F424L, F145L, F39L.
Identifiers: ClinVar variation 1449372 (VCV001449372.9), dbSNP rs202194404, ClinGen allele CA2794436.